The following is an entry in ClinVar:

NM_015047.3(EMC1):c.1890_1891insACT (p.Pro630_Val631insThr)

Genes: EMC1 (ER membrane protein complex subunit 1; minus strand), EMC1-AS1 (EMC1 antisense RNA 1; plus strand). Cytogenetic location: 1p36.13.
Variant type: Insertion.
Coding change: c.1890_1891insACT on transcript NM_015047.3 (MANE Select); coding-DNA positions 1890 to 1891, ACT inserted.
Protein change: p.Pro630_Val631insThr.
Molecular consequence: inframe insertion.
Genome position: GRCh38 VCF-style: chr1-19231314-C-CAGT. GRCh37 (hg19) VCF-style: chr1-19557808-C-CAGT.
Other names: c.1887_1888insACT, p.Pro629_Val630insThr (NM_001271428.2, NM_001271427.2); c.1824_1825insACT, p.Pro608_Val609insThr (NM_001271429.2); c.1899_1900insACT, p.Pro633_Val634insThr (NM_001375820.1); c.1896_1897insACT, p.Pro632_Val633insThr (NM_001375821.1).
Identifiers: ClinVar variation 2802729 (VCV002802729.3), dbSNP rs2536722155, ClinGen allele CA2739272324.
Genomic context (GRCh38, chr1:19,231,314, plus strand): 5'-ACAGTACCTTGTATTCATCATCTATCAACAGCAACACCTTGGCGTAGTCTTGATCCATGA[C>CAGT]TGGGAGAAGCAAGGACTGCAAGATGGGGCGCTTCAGCACTGGGGGAGCTACCTGACTCCA-3'

ClinVar aggregate classification (germline): Uncertain significance (1 of 4 stars; one submission).

Submission:

Labcorp Genetics (formerly Invitae), Labcorp
Classification: Uncertain significance. Last evaluated: 2023-06-21. Review status: criteria provided, single submitter. Criteria: Invitae Variant Classification Sherloc (09022015). Collection method: clinical testing. Allele origin: germline.
Comment: This variant, c.1890_1891insACT, results in the insertion of 1 amino acid(s) of the EMC1 protein (p.Pro630_Val631insThr), but otherwise preserves the integrity of the reading frame. In summary, the available evidence is currently insufficient to determine the role of this variant in disease. Therefore, it has been classified as a Variant of Uncertain Significance. This variant has not been reported in the literature in individuals affected with EMC1-related conditions. This variant is not present in population databases (gnomAD no frequency).